The following is an entry in ClinVar:

ClinVar aggregate classification (germline): Conflicting classifications of pathogenicity. Review status: criteria provided, conflicting classifications (1 of 4 stars). 3 submissions from 3 submitters: Likely pathogenic (1); Uncertain significance (2). Last evaluated 2025-09-12.

Conditions:
Argininosuccinate lyase deficiency. Also called: Argininosuccinic aciduria; ARGININOSUCCINIC ACID LYASE DEFICIENCY; ASL DEFICIENCY. Identifiers: Orphanet 23, MedGen C0268547, MONDO:0008815, OMIM 207900, HP:0025630.

Allele frequency attached by ClinVar (database versions not stated): gnomAD exomes below 0.00001; gnomAD 0.00001.
gnomAD v4.1: 4 of 1,612,022 alleles (0.00025%); highest among the groups gnomAD compares: African/African-American, 0.0013%; no homozygotes.

Submissions (3):

Women's Health and Genetics/Laboratory Corporation of America, LabCorp
Classification: Uncertain significance. Last evaluated: 2025-09-12. Review status: criteria provided, single submitter. Criteria: LabCorp Variant Classification Summary - May 2015. Collection method: clinical testing. Allele origin: germline.
Comment: Variant summary: ASL c.1354A>T (p.Ile452Phe) results in a non-conservative amino acid change in the encoded protein sequence. Algorithms developed to predict the effect of missense changes on protein structure and function all suggest that this variant is likely to be disruptive. The variant allele was found at a frequency of 8.1e-06 in 248390 control chromosomes. The available data on variant occurrences in the general population are insufficient to allow any conclusion about variant significance. c.1354A>T has been observed in at least one individual affected with Argininosuccinic Aciduria (Labcorp Genetics (formerly Invitae)). These data do not allow any conclusion about variant significance. To our knowledge, no experimental evidence demonstrating an impact on protein function has been reported. ClinVar contains an entry for this variant (Variation ID: 1991344). Based on the evidence outlined above, the variant was classified as uncertain significance.

Labcorp Genetics (formerly Invitae), Labcorp
Classification: Likely pathogenic for Argininosuccinate lyase deficiency. Last evaluated: 2022-12-22. Review status: criteria provided, single submitter. Criteria: Invitae Variant Classification Sherloc (09022015). Collection method: clinical testing. Allele origin: germline.
Comment: This sequence change replaces isoleucine, which is neutral and non-polar, with phenylalanine, which is neutral and non-polar, at codon 452 of the ASL protein (p.Ile452Phe). This variant is present in population databases (no rsID available, gnomAD 0.007%). This missense change has been observed in individual(s) with argininosuccinate lyase deficiency (Invitae). Advanced modeling of protein sequence and biophysical properties (such as structural, functional, and spatial information, amino acid conservation, physicochemical variation, residue mobility, and thermodynamic stability) performed at Invitae indicates that this missense variant is expected to disrupt ASL protein function. In summary, the currently available evidence indicates that the variant is pathogenic, but additional data are needed to prove that conclusively. Therefore, this variant has been classified as Likely Pathogenic.

Revvity Omics, Revvity
Classification: Uncertain significance for Argininosuccinate lyase deficiency. Last evaluated: 2021-12-28. Review status: criteria provided, single submitter. Criteria: ACMG Guidelines, 2015. Collection method: clinical testing. Allele origin: germline.

NM_000048.4(ASL):c.1354A>T (p.Ile452Phe)

Gene: ASL (argininosuccinate lyase; plus strand). Cytogenetic location: 7q11.21.
Variant type: single nucleotide variant.
Coding change: c.1354A>T on transcript NM_000048.4 (MANE Select); coding-DNA position 1354, A replaced by T.
Protein change: p.Ile452Phe; replaces isoleucine 452 with phenylalanine.
Molecular consequence: missense variant.
Genome position (GRCh38, 1-based): chr7:66,092,871, A>T. VCF-style: chr7-66092871-A-T. GRCh37 (hg19) VCF-style: chr7-65557858-A-T.
Other names: c.1354A>T, p.Ile452Phe (NM_001024943.2); c.1294A>T, p.Ile432Phe (NM_001024944.2); c.1276A>T, p.Ile426Phe (NM_001024946.2); short protein forms I426F, I432F, I452F.
Identifiers: ClinVar variation 1991344 (VCV001991344.10), dbSNP rs1211112295, ClinGen allele CA367653561.